The following is an entry in ClinVar:

NM_000051.4(ATM):c.3926_3929dup (p.Gln1310fs)

Gene: ATM (ATM serine/threonine kinase; plus strand). Cytogenetic location: 11q22.3.
Variant type: Microsatellite.
Coding change: c.3926_3929dup on transcript NM_000051.4 (MANE Select); coding-DNA positions 3926 to 3929, 4 bases duplicated (CACA; older notation c.3926_3929dupCACA).
Protein change: p.Gln1310fs; shifts the reading frame from glutamine 1310.
Molecular consequence: frameshift variant.
Genome position (GRCh38, 1-based): chr11:108,284,406-108,284,409, CACA duplicated. VCF-style (leftmost placement, unchanged base first): chr11-108284405-G-GCACA. GRCh37 (hg19) VCF-style: chr11-108155132-G-GCACA.
Other names: c.3926_3929dup, p.Gln1310fs (NM_001351834.2); c.3926_3929dupCACA (NM_000051.3); short protein forms Q1310fs.
Identifiers: ClinVar variation 421362 (VCV000421362.2), dbSNP rs1555093659, ClinGen allele CA16619168.
Genomic context (GRCh38, chr11:108,284,405, plus strand): 5'-AAGATTCTTGTAAATATTCTTCCTTATTTTGCCTATGAGGGTACCAGAGACAGTGGGATG[G>GCACA]CACAGCAAAGAGAGACTGCTACCAAGGTCTATGATATGCTTAAAAGTGAAAACTTATTGG-3'

ClinVar aggregate classification (germline): Likely pathogenic (1 of 4 stars; one submission).

Submission:

GeneDx
Classification: Likely pathogenic. Last evaluated: 2016-06-02. Review status: criteria provided, single submitter. Criteria: GeneDx Variant Classification (06012015). Collection method: clinical testing. Allele origin: germline. Affected: yes.
Comment: This duplication of 4 nucleotides in ATM is denoted c.3926_3929dupCACA at the cDNA level and p.Gln1310HisfsX12 (Q1310HfsX12) at the protein level. The normal sequence, with the bases that are duplicated in braces, is ATGG[CACA]GCAA. The duplication causes a frameshift which changes a Glutamine to a Histidine at codon 1310, and creates a premature stop codon at position 12 of the new reading frame. Although this variant has not, to our knowledge, been reported in the literature, it is predicted to cause loss of normal protein function through either protein truncation or nonsense-mediated mRNA decay. Based on the currently available information, we consider this duplication to be a likely pathogenic variant.